The following is an entry in ClinVar:

NM_004793.4(LONP1):c.1433T>C (p.Leu478Pro)

Gene: LONP1 (lon peptidase 1, mitochondrial; minus strand). Cytogenetic location: 19p13.3.
Variant type: single nucleotide variant.
Coding change: c.1433T>C on transcript NM_004793.4 (MANE Select); coding-DNA position 1433, T replaced by C.
Protein change: p.Leu478Pro; replaces leucine 478 with proline.
Molecular consequence: missense variant. On other transcripts: non-coding transcript variant (1).
Genome position (GRCh38, 1-based): chr19:5,700,862, A>G on the plus strand (T>C on the coding strand, the complement: LONP1 is on the minus strand). VCF-style: chr19-5700862-A-G. GRCh37 (hg19) VCF-style: chr19-5700873-A-G.
Other names: c.1241T>C, p.Leu414Pro (NM_001276479.2); c.845T>C, p.Leu282Pro (NM_001276480.1); short protein forms L414P, L478P, L282P.
Identifiers: ClinVar variation 1437337 (VCV001437337.6), dbSNP rs1380012657, ClinGen allele CA403531471.

ClinVar aggregate classification (germline): Uncertain significance (1 of 4 stars; one submission).

Allele frequency attached by ClinVar (database versions not stated): TOPMed below 0.00001; gnomAD 0.00001.
gnomAD v4.1: 2 of 1,614,090 alleles (0.00012%); highest among the groups gnomAD compares: Non-Finnish European, 0.00017%; no homozygotes.

Submission:

Labcorp Genetics (formerly Invitae), Labcorp
Classification: Uncertain significance. Last evaluated: 2024-01-22. Review status: criteria provided, single submitter. Criteria: Invitae Variant Classification Sherloc (09022015). Collection method: clinical testing. Allele origin: germline.
Comment: This sequence change replaces leucine, which is neutral and non-polar, with proline, which is neutral and non-polar, at codon 478 of the LONP1 protein (p.Leu478Pro). This variant is not present in population databases (gnomAD no frequency). This variant has not been reported in the literature in individuals affected with LONP1-related conditions. ClinVar contains an entry for this variant (Variation ID: 1437337). Advanced modeling of protein sequence and biophysical properties (such as structural, functional, and spatial information, amino acid conservation, physicochemical variation, residue mobility, and thermodynamic stability) performed at Invitae indicates that this missense variant is not expected to disrupt LONP1 protein function with a negative predictive value of 80%. In summary, the available evidence is currently insufficient to determine the role of this variant in disease. Therefore, it has been classified as a Variant of Uncertain Significance.